The following is an entry in ClinVar:

ClinVar aggregate classification (germline): Uncertain significance (1 of 4 stars; one submission).

Conditions:
Hereditary spastic paraplegia 39 (SPG39). Also called: Spastic Paraplegia Type 39 (SPG39); SPASTIC PARAPLEGIA 39, AUTOSOMAL RECESSIVE. Identifiers: Orphanet 139480, MedGen C2677586, MONDO:0012787, OMIM 612020.

Submission:

Labcorp Genetics (formerly Invitae), Labcorp
Classification: Uncertain significance for Hereditary spastic paraplegia 39. Last evaluated: 2025-02-03. Review status: criteria provided, single submitter. Criteria: Invitae Variant Classification Sherloc (09022015). Collection method: clinical testing. Allele origin: germline.
Comment: This sequence change replaces isoleucine, which is neutral and non-polar, with asparagine, which is neutral and polar, at codon 298 of the PNPLA6 protein (p.Ile298Asn). This variant is not present in population databases (gnomAD no frequency). This variant has not been reported in the literature in individuals affected with PNPLA6-related conditions. ClinVar contains an entry for this variant (Variation ID: 1995540). Invitae Evidence Modeling of protein sequence and biophysical properties (such as structural, functional, and spatial information, amino acid conservation, physicochemical variation, residue mobility, and thermodynamic stability) indicates that this missense variant is not expected to disrupt PNPLA6 protein function with a negative predictive value of 80%. In summary, the available evidence is currently insufficient to determine the role of this variant in disease. Therefore, it has been classified as a Variant of Uncertain Significance.

NM_001166114.2(PNPLA6):c.1010T>A (p.Ile337Asn)

Gene: PNPLA6 (patatin like domain 6, lysophospholipase; plus strand). Cytogenetic location: 19p13.2.
Variant type: single nucleotide variant.
Coding change: c.1010T>A on transcript NM_001166114.2 (MANE Select); coding-DNA position 1010, T replaced by A.
Protein change: p.Ile337Asn; replaces isoleucine 337 with asparagine.
Molecular consequence: missense variant.
Genome position (GRCh38, 1-based): chr19:7,541,526, T>A. VCF-style: chr19-7541526-T-A. GRCh37 (hg19) VCF-style: chr19-7606412-T-A.
Other names: c.1037T>A, p.Ile346Asn (NM_001166111.2); c.893T>A, p.Ile298Asn (NM_001166112.2, NM_001166113.1, NM_006702.5); short protein forms I346N, I298N, I337N.
Identifiers: ClinVar variation 1995540 (VCV001995540.4), dbSNP rs2512503242, ClinGen allele CA403108711.